The following is an entry in ClinVar:

ClinVar aggregate classification (germline): Uncertain significance. Review status: criteria provided, multiple submitters, no conflicts (2 of 4 stars). 3 submissions from 3 submitters: Uncertain significance (3). Last evaluated 2024-06-10.

Conditions:
Inborn genetic diseases. Identifiers: MedGen C0950123, MeSH D030342.

Allele frequency attached by ClinVar (database versions not stated): gnomAD exomes 0.00023; gnomAD 0.00025 and 0.00028; TOPMed 0.00026; ExAC 0.00032.
gnomAD v4.1: 175 of 1,603,554 alleles (0.011%); highest among the groups gnomAD compares: Admixed American, 0.052%; no homozygotes.

Submissions (3):

Blueprint Genetics
Classification: Uncertain significance. Last evaluated: 2024-06-10. Review status: criteria provided, single submitter. Criteria: ACMG Guidelines, 2015. Collection method: clinical testing. Allele origin: germline.

Ambry Genetics
Classification: Uncertain significance for Inborn genetic diseases. Last evaluated: 2024-04-04. Review status: criteria provided, single submitter. Criteria: Ambry Variant Classification Scheme 2023. Collection method: clinical testing. Allele origin: germline.

Labcorp Genetics (formerly Invitae), Labcorp
Classification: Uncertain significance. Last evaluated: 2022-10-06. Review status: criteria provided, single submitter. Criteria: Invitae Variant Classification Sherloc (09022015). Collection method: clinical testing. Allele origin: germline.
Comment: This sequence change replaces proline, which is neutral and non-polar, with serine, which is neutral and polar, at codon 322 of the SPEG protein (p.Pro322Ser). This variant is present in population databases (rs764502382, gnomAD 0.05%). This variant has not been reported in the literature in individuals affected with SPEG-related conditions. ClinVar contains an entry for this variant (Variation ID: 1445222). Algorithms developed to predict the effect of missense changes on protein structure and function output the following: SIFT: "Tolerated"; PolyPhen-2: "Benign"; Align-GVGD: "Class C0". The serine amino acid residue is found in multiple mammalian species, which suggests that this missense change does not adversely affect protein function. In summary, the available evidence is currently insufficient to determine the role of this variant in disease. Therefore, it has been classified as a Variant of Uncertain Significance.

NM_005876.5(SPEG):c.964C>T (p.Pro322Ser)

Gene: SPEG (striated muscle enriched protein kinase; plus strand). Cytogenetic location: 2q35.
Variant type: single nucleotide variant.
Coding change: c.964C>T on transcript NM_005876.5 (MANE Select); coding-DNA position 964, C replaced by T.
Protein change: p.Pro322Ser; replaces proline 322 with serine.
Molecular consequence: missense variant.
Genome position (GRCh38, 1-based): chr2:219,448,122, C>T. VCF-style: chr2-219448122-C-T. GRCh37 (hg19) VCF-style: chr2-220312844-C-T.
Other names: c.964C>T (NM_005876.4); short protein forms P322S.
Identifiers: ClinVar variation 1445222 (VCV001445222.5), dbSNP rs764502382, ClinGen allele CA2125632.
Genomic context (GRCh38, chr2:219,448,122, plus strand): 5'-CCTCCTTCCAAATCCGCGCTGCTCCCCCCACCGTCCCCTCGGGTCGGGAAGCGGTCCCCG[C>T]CGGGACCCCCGGCCCAGCCCGCGGCCACCCCCACGTCGCCCCACCGTCGCACTCAGGAGC-3'
Protein context (NP_005867.3, residues 312-332): PSPRVGKRSP[Pro322Ser]GPPAQPAATP